The following is an entry in ClinVar:

NM_130837.3(OPA1):c.604_605del (p.Leu202fs)

Gene: OPA1 (OPA1 mitochondrial dynamin like GTPase; plus strand). Cytogenetic location: 3q29.
Variant type: Deletion.
Coding change: c.604_605del on transcript NM_130837.3 (MANE Select); coding-DNA positions 604 to 605, 2 bases deleted (TT; older notation c.604_605delTT).
Protein change: p.Leu202fs; shifts the reading frame from leucine 202.
Molecular consequence: frameshift variant. On other transcripts: intron variant (6).
Genome position (GRCh38, 1-based): chr3:193,617,831-193,617,832, TT deleted. VCF-style (leftmost placement, unchanged base first): chr3-193617830-CTT-C. GRCh37 (hg19) VCF-style: chr3-193335619-CTT-C.
Other names: c.496_497del, p.Leu166fs (NM_130832.3, NM_130835.3); c.604_605del, p.Leu202fs (NM_130834.3); c.184+546_184+547del (NM_001354664.2); c.77-1038_77-1037del (NM_001354663.2); c.556+546_556+547del (NM_130836.3, NM_015560.3); c.449-1038_449-1037del (NM_130833.3, NM_130831.3); short protein forms L166fs, L202fs.
Identifiers: ClinVar variation 285513 (VCV000285513.8), dbSNP rs886043124, ClinGen allele CA10605137.
Genomic context (GRCh38, chr3:193,617,830, plus strand): 5'-CTGATTTTTCACAGGTCACAAATTGGTTAGTGAAGTCATAGGAGCTTCTGACCTACTTCT[CTT>C]GTTAGGTGTGTAAACAGACATTTTTGCTGACCTTAACATGCCTTTTAAATGCTTCTAATA-3'

ClinVar aggregate classification (germline): Uncertain significance. Review status: criteria provided, multiple submitters, no conflicts (2 of 4 stars). 2 submissions from 2 submitters: Uncertain significance (2). Last evaluated 2023-04-25.

Allele frequency attached by ClinVar (database versions not stated): gnomAD exomes below 0.00001; TOPMed 0.00002.

Submissions (2):

Labcorp Genetics (formerly Invitae), Labcorp
Classification: Uncertain significance. Last evaluated: 2023-04-25. Review status: criteria provided, single submitter. Criteria: Invitae Variant Classification Sherloc (09022015). Collection method: clinical testing. Allele origin: germline.
Comment: In summary, the available evidence is currently insufficient to determine the role of this variant in disease. Therefore, it has been classified as a Variant of Uncertain Significance. Algorithms developed to predict the effect of sequence changes on RNA splicing suggest that this variant is not likely to affect RNA splicing. ClinVar contains an entry for this variant (Variation ID: 285513). This variant has not been reported in the literature in individuals affected with OPA1-related conditions. This variant is not present in population databases (gnomAD no frequency). This sequence change creates a premature translational stop signal (p.Leu202Valfs*10) in the OPA1 gene. It is expected to result in an absent or disrupted protein product. However, the current clinical and genetic evidence is not sufficient to establish whether loss-of-function variants in OPA1 cause disease. The OPA1 gene has multiple clinically relevant transcripts. This variant occurs in alternate transcript NM_130837.2, and corresponds to c.556+546_556+547del (Intronic) in the primary transcript.

Eurofins Ntd Llc (ga)
Classification: Uncertain significance. Last evaluated: 2018-08-30. Review status: criteria provided, single submitter. Criteria: EGL ClinVar v180209 classification definitions. Collection method: clinical testing. Allele origin: germline. Observed: 1 variant allele, 1 homozygote.